The following is an entry in ClinVar:

ClinVar aggregate classification (germline): Uncertain significance (1 of 4 stars; one submission).

Conditions:
SEMA3C-related disorder. Also called: SEMA3C-related condition.

gnomAD v4.1: 6 of 1,613,198 alleles (0.00037%); highest among the groups gnomAD compares: Admixed American, 0.0084%; no homozygotes.

Submission:

PreventionGenetics, part of Exact Sciences
Classification: Uncertain significance for SEMA3C-related condition. Last evaluated: 2025-07-18. Review status: criteria provided, single submitter. Criteria: ACMG Guidelines, 2015. Collection method: clinical testing. Allele origin: germline.
Comment: The SEMA3C c.1684C>T variant is predicted to result in the amino acid substitution p.Pro562Ser. To our knowledge, this variant has not been reported in the literature. This variant is reported in 0.012% of alleles in individuals of Latino descent in gnomAD. At this time, the clinical significance of this variant is uncertain due to the absence of conclusive functional and genetic evidence.

NM_006379.5(SEMA3C):c.1630C>T (p.Pro544Ser)

Gene: SEMA3C (semaphorin 3C; minus strand). Cytogenetic location: 7q21.11.
Variant type: single nucleotide variant.
Coding change: c.1630C>T on transcript NM_006379.5 (MANE Select); coding-DNA position 1630, C replaced by T.
Protein change: p.Pro544Ser; replaces proline 544 with serine.
Molecular consequence: missense variant.
Genome position (GRCh38, 1-based): chr7:80,758,344, G>A on the plus strand (C>T on the coding strand, the complement: SEMA3C is on the minus strand). VCF-style: chr7-80758344-G-A. GRCh37 (hg19) VCF-style: chr7-80387660-G-A.
Other names: c.1684C>T, p.Pro562Ser (NM_001350120.2); c.1456C>T, p.Pro486Ser (NM_001350121.2); short protein forms P562S, P544S, P486S.
Identifiers: ClinVar variation 4978260 (VCV004978260.1).